The following is an entry in ClinVar:

NM_015335.5(MED13L):c.5785A>G (p.Lys1929Glu)

Gene: MED13L (mediator complex subunit 13L; minus strand). Cytogenetic location: 12q24.21.
Variant type: single nucleotide variant.
Coding change: c.5785A>G on transcript NM_015335.5 (MANE Select); coding-DNA position 5785, A replaced by G.
Protein change: p.Lys1929Glu; replaces lysine 1929 with glutamic acid.
Molecular consequence: missense variant.
Genome position (GRCh38, 1-based): chr12:115,972,183, T>C on the plus strand (A>G on the coding strand, the complement: MED13L is on the minus strand). VCF-style: chr12-115972183-T-C. GRCh37 (hg19) VCF-style: chr12-116409988-T-C.
Other names: short protein forms K1929E.
Identifiers: ClinVar variation 422146 (VCV000422146.2), dbSNP rs1064795586, ClinGen allele CA16619438.

ClinVar aggregate classification (germline): Likely pathogenic (1 of 4 stars; one submission).

Submission:

GeneDx
Classification: Likely pathogenic. Last evaluated: 2016-09-08. Review status: criteria provided, single submitter. Criteria: GeneDx Variant Classification (06012015). Collection method: clinical testing. Allele origin: germline. Affected: yes.
Comment: The K1929E variant in the MED13L gene has not been reported previously as a pathogenic variant, nor as a benign variant, to our knowledge. The K1929E variant was not observed in approximately 6500 individuals of European and African American ancestry in the NHLBI Exome Sequencing Project, indicating it is not a common benign variant in these populations. The K1929E variant is a non-conservative amino acid substitution, which is likely to impact secondary protein structure as these residues differ in polarity, charge, size and/or other properties. This substitution occurs at a position where amino acids with similar properties to Lysine are tolerated across species. In silico analysis predicts this variant is probably damaging to the protein structure/function. Therefore, we interpret K1929E as a likely pathogenic variant